The following is an entry in ClinVar:

ClinVar aggregate classification (germline): Conflicting classifications of pathogenicity. Review status: criteria provided, conflicting classifications (1 of 4 stars). 7 submissions from 7 submitters: Pathogenic (1); Likely pathogenic (4); Uncertain significance (2). Last evaluated 2026-04-27.

Conditions:
MYH7-related disorder. Also called: MYH7-related disorders; MYH7-related condition; MYH7-related disease.
Hypertrophic cardiomyopathy 1 (CMH1). Also called: MYH7-Related Familial Hypertrophic Cardiomyopathy; Familial hypertrophic cardiomyopathy 1. Identifiers: MedGen C3495498, MONDO:0008647, OMIM 192600.
Hypertrophic cardiomyopathy. Also called: HYPERTROPHIC MYOCARDIOPATHY. Identifiers: Orphanet 217569, MedGen C0007194, MeSH D002312, MONDO:0005045, HP:0001639.

Submissions (7):

Institute of Human Genetics, University of Leipzig Medical Center
Classification: Likely pathogenic for Hypertrophic cardiomyopathy 1. Last evaluated: 2026-04-27. Review status: criteria provided, single submitter. Criteria: ACMG Guidelines, 2015. Collection method: clinical testing. Allele origin: paternal. Inheritance: Autosomal dominant inheritance. Affected: yes.
Comment: Criteria applied: PS4_MOD,PM1,PM2_SUP,PP3

Labcorp Genetics (formerly Invitae), Labcorp
Classification: Pathogenic for Hypertrophic cardiomyopathy. Last evaluated: 2024-11-11. Review status: criteria provided, single submitter. Criteria: Invitae Variant Classification Sherloc (09022015). Collection method: clinical testing. Allele origin: germline.
Comment: This sequence change replaces glycine, which is neutral and non-polar, with arginine, which is basic and polar, at codon 425 of the MYH7 protein (p.Gly425Arg). This variant is not present in population databases (gnomAD no frequency). This missense change has been observed in individuals with clinical features of MYH7-related conditions (PMID: 15563892, 19586842, 27247418, 29497013, 32931854; internal data). It has also been observed to segregate with disease in related individuals. ClinVar contains an entry for this variant (Variation ID: 42834). Invitae Evidence Modeling of protein sequence and biophysical properties (such as structural, functional, and spatial information, amino acid conservation, physicochemical variation, residue mobility, and thermodynamic stability) indicates that this missense variant is expected to disrupt MYH7 protein function with a positive predictive value of 95%. For these reasons, this variant has been classified as Pathogenic.

GeneDx
Classification: Uncertain significance. Last evaluated: 2023-05-04. Review status: criteria provided, single submitter. Criteria: GeneDx Variant Classification Process June 2021. Collection method: clinical testing. Allele origin: germline. Affected: yes.
Comment: In silico analysis, which includes protein predictors and evolutionary conservation, supports a deleterious effect; Not observed at significant frequency in large population cohorts (gnomAD); Identified in patients with cardiomyopathy referred for genetic testing at GeneDx and in published literature (Song et al., 2005; Wang et al., 2009; Homburger et al., 2016; Mak et al., 2018); This variant is associated with the following publications: (PMID: 27247418, 19586842, 15563892, 32931854, 29497013, 27532257, 29300372, 34949102, 31856055)

Victorian Clinical Genetics Services, Murdoch Childrens Research Institute
Classification: Likely pathogenic for Hypertrophic cardiomyopathy 1. Last evaluated: 2022-09-02. Review status: criteria provided, single submitter. Criteria: ACMG Guidelines, 2015. Collection method: clinical testing. Allele origin: germline. Inheritance: Autosomal dominant inheritance. Affected: yes.
Comment: Based on the classification scheme VCGS_Germline_v1.3.4, this variant is classified as Likely pathogenic. Following criteria are met: 0105 - The mechanism of disease for this gene is not clearly established; however, missense variants have been proposed to act in a dominant negative manner (PMID: 24714796). (I) 0108 - This gene is associated with both recessive and dominant disease. Pathogenic variants in this gene are usually heterozygous; however, a recessive inheritance pattern has been observed in severe cases (OMIM). (I) 0112 - The condition associated with this gene has incomplete penetrance (PMID: 29300372). (I) 0200 - Variant is predicted to result in a missense amino acid change from glycine to arginine. (I) 0251 - This variant is heterozygous. (I) 0301 - Variant is absent from gnomAD (both v2 and v3). (SP) 0501 - Missense variant consistently predicted to be damaging by multiple in silico tools or highly conserved with a major amino acid change. (SP) 0602 - Variant is located in a hotspot region or cluster of pathogenic variants. This variant is found within the head region, which is enriched with pathogenic missense variants (PMID: 29300372). (SP) 0710 - Another missense variant comparable to the one identified in this case has inconclusive previous evidence for pathogenicity. The p.(Gly425Ala) variant has been classified once as a VUS by a clinical diagnostic laboratory (ClinVar). (I) 0802 - This variant has moderate previous evidence of pathogenicity in unrelated individuals. This variant has been reported in four individuals with HCM (ClinVar, PMIDs: 15563892, 29497013, 27247418). It should also be noted that although this variant was classified as a VUS by two clinical diagnostic laboratories; evaluation of the variant was performed in 2015 (ClinVar). (SP) 1007 - No published functional evidence has been identified for this variant. (I) 1208 - Inheritance information for this variant is not currently available in this individual. (I) Legend: (SP) - Supporting pathogenic, (I) - Information, (SB) - Supporting benign

Blueprint Genetics
Classification: Likely pathogenic for MYH7-related disorders. Last evaluated: 2020-12-15. Review status: criteria provided, single submitter. Criteria: ACMG Guidelines, 2015. Collection method: clinical testing. Allele origin: germline. Affected: yes. Observed: 5 variant alleles.

Laboratory for Molecular Medicine, Mass General Brigham Personalized Medicine
Classification: Likely pathogenic for Hypertrophic cardiomyopathy. Last evaluated: 2019-02-05. Review status: criteria provided, single submitter. Criteria: LMM Criteria. Collection method: clinical testing. Allele origin: germline. Inheritance: Autosomal dominant inheritance. Observed: 2 variant alleles.
Comment: proposed classification - variant undergoing re-assessment, contact laboratory

Stanford Center for Inherited Cardiovascular Disease, Stanford University
Classification: Uncertain significance. Last evaluated: 2015-02-24. Review status: criteria provided, single submitter. Criteria: ACMG Guidelines, 2015. Collection method: provider interpretation. Allele origin: germline.

Literature cited by the submitters: PubMed 15563892 (cited by 3 submitters); PubMed 19586842 (cited by 3 submitters); PubMed 27247418 (cited by Labcorp Genetics (formerly Invitae), Labcorp and Victorian Clinical Genetics Services, Murdoch Childrens Research Institute); PubMed 29497013 (cited by 3 submitters); PubMed 32931854 (cited by Labcorp Genetics (formerly Invitae), Labcorp); PubMed 24714796 (cited by Victorian Clinical Genetics Services, Murdoch Childrens Research Institute); PubMed 29300372 (cited by Victorian Clinical Genetics Services, Murdoch Childrens Research Institute).

NM_000257.4(MYH7):c.1273G>A (p.Gly425Arg)

Gene: MYH7 (myosin heavy chain 7; minus strand). Cytogenetic location: 14q11.2.
Variant type: single nucleotide variant.
Coding change: c.1273G>A on transcript NM_000257.4 (MANE Select); coding-DNA position 1273, G replaced by A.
Protein change: p.Gly425Arg; replaces glycine 425 with arginine.
Molecular consequence: missense variant.
Genome position (GRCh38, 1-based): chr14:23,429,089, C>T on the plus strand (G>A on the coding strand, the complement: MYH7 is on the minus strand). VCF-style: chr14-23429089-C-T. GRCh37 (hg19) VCF-style: chr14-23898298-C-T.
Other names: p.G425R:GGG>AGG; short protein forms G425R.
Identifiers: ClinVar variation 42834 (VCV000042834.18), dbSNP rs397516097, ClinGen allele CA010465.